The following is an entry in ClinVar:

ClinVar aggregate classification (germline): Benign/Likely benign. Review status: criteria provided, multiple submitters, no conflicts (2 of 4 stars). 7 submissions from 7 submitters: Benign (2); Likely benign (5). Last evaluated 2026-06-01.

Conditions:
CEDNIK syndrome. Also called: Cerebral dysgenesis, neuropathy, ichthyosis, and palmoplantar keratoderma; CEREBRAL DYSGENESIS, NEUROPATHY, ICHTHYOSIS, AND PALMOPLANTAR KERATODERMA SYNDROME. Identifiers: Orphanet 66631, MedGen C1836033, MONDO:0012290, OMIM 609528.

Allele frequency attached by ClinVar (database versions not stated): 1000 Genomes Project 0.00060; 1000 Genomes Project 30x 0.00094; TOPMed 0.00232; gnomAD exomes 0.00235 and 0.00413; gnomAD 0.00244 and 0.00251; ExAC 0.00251; ESP Exome Variant Server 0.00270.
gnomAD v4.1: 6,273 of 1,605,804 alleles (0.39%); highest among the groups gnomAD compares: Non-Finnish European, 0.5%; 16 homozygotes.

Submissions (7):

CeGaT Center for Human Genetics Tuebingen
Classification: Likely benign. Last evaluated: 2026-06-01. Review status: criteria provided, single submitter. Criteria: CeGaT Center For Human Genetics Tuebingen Variant Classification Criteria Version 2. Collection method: clinical testing. Allele origin: germline. Affected: yes. Observed: 15 variant alleles.
Comment: SNAP29: BP4, BP7, BS2

Labcorp Genetics (formerly Invitae), Labcorp
Classification: Benign. Last evaluated: 2026-01-21. Review status: criteria provided, single submitter. Criteria: Invitae Variant Classification Sherloc (09022015). Collection method: clinical testing. Allele origin: germline.

Mayo Clinic Laboratories, Mayo Clinic
Classification: Benign. Last evaluated: 2025-07-16. Review status: criteria provided, single submitter. Criteria: ACMG Guidelines, 2015. Collection method: clinical testing. Allele origin: germline. Observed: 22 variant alleles.
Comment: BS1, BS2, BP4, BP7

Blueprint Genetics
Classification: Likely benign. Last evaluated: 2024-11-25. Review status: criteria provided, single submitter. Criteria: ACMG Guidelines, 2015. Collection method: clinical testing. Allele origin: germline.

GeneDx
Classification: Likely benign. Last evaluated: 2019-12-17. Review status: criteria provided, single submitter. Criteria: GeneDx Variant Classification Process June 2021. Collection method: clinical testing. Allele origin: germline. Affected: yes.

Illumina Laboratory Services, Illumina
Classification: Likely benign for CEDNIK syndrome. Last evaluated: 2018-01-13. Review status: criteria provided, single submitter. Criteria: ICSL Variant Classification Criteria 13 December 2019. Collection method: clinical testing. Allele origin: germline.
Comment: This variant was observed in the ICSL laboratory as part of a predisposition screen in an ostensibly healthy population. It had not been previously curated by ICSL or reported in the Human Gene Mutation Database (HGMD: prior to June 1st, 2018), and was therefore a candidate for classification through an automated scoring system. Utilizing variant allele frequency, disease prevalence and penetrance estimates, and inheritance mode, an automated score was calculated to assess if this variant is too frequent to cause the disease. Based on the score and internal cut-off values, a variant classified as likely benign is not then subjected to further curation. The score for this variant resulted in a classification of likely benign for this disease.

Athena Diagnostics
Classification: Likely benign. Last evaluated: 2017-05-08. Review status: criteria provided, single submitter. Criteria: Athena Diagnostics Criteria. Collection method: clinical testing. Allele origin: germline.

NM_004782.4(SNAP29):c.234C>G (p.Ser78=)

Gene: SNAP29 (synaptosome associated protein 29; plus strand). Cytogenetic location: 22q11.21.
Variant type: single nucleotide variant.
Coding change: c.234C>G on transcript NM_004782.4 (MANE Select); coding-DNA position 234, C replaced by G.
Protein change: p.Ser78=; no amino-acid change (serine 78 retained).
Molecular consequence: synonymous variant.
Genome position (GRCh38, 1-based): chr22:20,859,344, C>G. VCF-style: chr22-20859344-C-G. GRCh37 (hg19) VCF-style: chr22-21213632-C-G.
Other names: p.Ser78=.
Identifiers: ClinVar variation 340832 (VCV000340832.49), dbSNP rs144160898, ClinGen allele CA10117045.